The following is an entry in ClinVar:

NM_001384140.1(PCDH15):c.1325dup (p.His442fs)

Gene: PCDH15 (protocadherin related 15; minus strand). Cytogenetic location: 10q21.1.
Variant type: Duplication.
Coding change: c.1325dup on transcript NM_001384140.1 (MANE Select); coding-DNA position 1325, one base duplicated (A; older notation c.1325dupA).
Protein change: p.His442fs; shifts the reading frame from histidine 442.
Molecular consequence: frameshift variant.
Genome position (GRCh38, 1-based): chr10:54,185,249, T duplicated on the plus strand (A on the coding strand, the reverse complement: PCDH15 is on the minus strand). VCF-style (leftmost placement, unchanged base first): chr10-54185248-G-GT. GRCh37 (hg19) VCF-style: chr10-55945008-G-GT.
Other names: c.1340dup, p.His447fs (NM_001142763.2, NM_001142771.2); c.1325dup, p.His442fs (NM_001142764.2, NM_001142765.2, NM_001142766.2 and 6 more transcripts); c.1214dup, p.His405fs (NM_001142767.2); c.1259dup, p.His420fs (NM_001142768.2, NM_001142773.2, NM_001354404.2); c.1361dup, p.His454Glnfs (NM_001142769.4); c.1346dup, p.His449fs (NM_001354411.2); short protein forms H405fs, H420fs, H442fs, H447fs, H449fs, H454fs.
Identifiers: ClinVar variation 4816359 (VCV004816359.1).

ClinVar aggregate classification (germline): Likely pathogenic (1 of 4 stars; one submission).

Conditions:
Usher syndrome type 1F (USH1F). Also called: USHER SYNDROME, TYPE IF. Identifiers: Orphanet 231169, Orphanet 886, MedGen C1865885, MONDO:0011186, OMIM 602083.

Submission:

Natera, Inc.
Classification: Likely pathogenic for Usher syndrome type 1F. Last evaluated: 2025-08-14. Review status: criteria provided, single submitter. Criteria: Natera Variant Classification Schema (03/2026). Collection method: clinical testing. Allele origin: germline.
Comment: The c.1325dup variant in PCDH15 is a frameshift variant predicted to shift the reading frame beginning at codon 442 and leads to a stop codon 6 codons downstream. This variant is expected to result in nonsense mediated decay, truncation, or a dysfunctional protein product. This variant is rare in the general population with a frequency below the threshold expected for the associated phenotype(s). Given the available evidence, this variant is classified as Likely Pathogenic.